The following is an entry in ClinVar:

NM_001267550.2(TTN):c.55796C>A (p.Ser18599Ter)

Genes: TTN (titin; minus strand), TTN-AS1 (TTN antisense RNA 1; plus strand). Cytogenetic location: 2q31.2.
Variant type: single nucleotide variant.
Coding change: c.55796C>A on transcript NM_001267550.2 (MANE Select); coding-DNA position 55796, C replaced by A.
Protein change: p.Ser18599Ter; replaces serine 18599 with a stop codon.
Molecular consequence: nonsense.
Genome position (GRCh38, 1-based): chr2:178,601,108, G>T on the plus strand (C>A on the coding strand, the complement: TTN is on the minus strand). VCF-style: chr2-178601108-G-T. GRCh37 (hg19) VCF-style: chr2-179465835-G-T.
Other names: c.50873C>A, p.Ser16958Ter (NM_001256850.1); c.28601C>A, p.Ser9534Ter (NM_003319.4); c.48092C>A, p.Ser16031Ter (NM_133378.4); c.28976C>A, p.Ser9659Ter (NM_133432.3); c.29177C>A, p.Ser9726Ter (NM_133437.4); short protein forms S16958*, S18599*, S9534*, S9726*, S9659*, S16031*.
Identifiers: ClinVar variation 847630 (VCV000847630.10), dbSNP rs2053315643, ClinGen allele CA349537724.

ClinVar aggregate classification (germline): Likely pathogenic (1 of 4 stars; one submission).

Conditions:
Dilated cardiomyopathy 1G (CMD1G). Identifiers: Orphanet 154, MedGen C1858763, MONDO:0011400, OMIM 604145.
Autosomal recessive limb-girdle muscular dystrophy type 2J (LGMDR10). Also called: Limb-girdle muscular dystrophy, type 2J; MUSCULAR DYSTROPHY, LIMB-GIRDLE, AUTOSOMAL RECESSIVE 10. Identifiers: Orphanet 140922, MedGen C1837342, MONDO:0012127, OMIM 608807.

Submission:

Labcorp Genetics (formerly Invitae), Labcorp
Classification: Likely pathogenic for Dilated cardiomyopathy 1G; Autosomal recessive limb-girdle muscular dystrophy type 2J. Last evaluated: 2022-03-18. Review status: criteria provided, single submitter. Criteria: Invitae Variant Classification Sherloc (09022015). Collection method: clinical testing. Allele origin: germline.
Comment: This variant is not present in population databases (gnomAD no frequency). This sequence change creates a premature translational stop signal (p.Ser18599*) in the TTN gene. While this is not anticipated to result in nonsense mediated decay, it is expected to create a truncated TTN protein. This variant has not been reported in the literature in individuals affected with TTN-related conditions. ClinVar contains an entry for this variant (Variation ID: 847630). This variant is located in the A band of TTN (PMID: 25589632). Truncating variants in this region are significantly overrepresented in patients affected with dilated cardiomyopathy (PMID: 25589632). Truncating variants in this region have also been reported in individuals affected with autosomal recessive centronuclear myopathy (PMID: 23975875). In summary, the currently available evidence indicates that the variant is pathogenic, but additional data are needed to prove that conclusively. Therefore, this variant has been classified as Likely Pathogenic.

Literature cited by the submitters: PubMed 25589632; PubMed 23975875.